The following is an entry in ClinVar:

ClinVar aggregate classification (germline): Likely benign (1 of 4 stars; one submission).

Allele frequency attached by ClinVar (database versions not stated): ESP Exome Variant Server 0.00198.

Submission:

CeGaT Center for Human Genetics Tuebingen
Classification: Likely benign. Last evaluated: 2022-12-01. Review status: criteria provided, single submitter. Criteria: CeGaT Center For Human Genetics Tuebingen Variant Classification Criteria Version 2. Collection method: clinical testing. Allele origin: germline. Affected: yes. Observed: 1 variant allele.
Comment: DSPP: BP4, BP7

NM_014208.3(DSPP):c.3573C>T (p.Asp1191=)

Genes: DMP1-AS1 (DMP1 and DSPP antisense RNA 1; minus strand), DSPP (dentin sialophosphoprotein; plus strand). Cytogenetic location: 4q22.1.
Variant type: single nucleotide variant.
Coding change: c.3573C>T on transcript NM_014208.3 (MANE Select); coding-DNA position 3573, C replaced by T.
Protein change: p.Asp1191=; no amino-acid change (aspartic acid 1191 retained).
Molecular consequence: synonymous variant.
Genome position (GRCh38, 1-based): chr4:87,616,235, C>T. VCF-style: chr4-87616235-C-T. GRCh37 (hg19) VCF-style: chr4-88537387-C-T.
Identifiers: ClinVar variation 2654927 (VCV002654927.24), dbSNP rs199798919, ClinGen allele CA100859223.
Genomic context (GRCh38, chr4:87,616,235, plus strand): 5'-CAGCGATAGCAGTGACAGCAGCAATAGCAGTGATAGCAGCGACAGCAGTGATAGCAGTGA[C>T]AGCAGCGACAGCAGCGATAGCAGCGACAGCAGCGATAGTAGTGATAGCAGTGACAGCAGT-3'
Protein context (NP_055023.2, residues 1181-1201): SDSSDSSDSS[Asp1191=]SSDSSDSSDS